The following is an entry in ClinVar:

ClinVar aggregate classification (germline): Uncertain significance. Review status: criteria provided, multiple submitters, no conflicts (2 of 4 stars). 2 submissions from 2 submitters: Uncertain significance (2). Last evaluated 2025-06-24.

Conditions:
Maturity-onset diabetes of the young (MODY). Also called: Maturity onset diabetes mellitus in young. Identifiers: Orphanet 552, MedGen C0342276, MONDO:0018911, HP:0004904.

Allele frequency attached by ClinVar (database versions not stated): gnomAD exomes below 0.00001.
gnomAD v4.1: 1 of 1,603,878 alleles (0.000062%); highest among the groups gnomAD compares: Admixed American, 0.0017%; no homozygotes.

Submissions (2):

Labcorp Genetics (formerly Invitae), Labcorp
Classification: Uncertain significance. Last evaluated: 2025-06-24. Review status: criteria provided, single submitter. Criteria: Invitae Variant Classification Sherloc (09022015). Collection method: clinical testing. Allele origin: germline.
Comment: This sequence change replaces aspartic acid, which is acidic and polar, with alanine, which is neutral and non-polar, at codon 226 of the PDX1 protein (p.Asp226Ala). This variant is present in population databases (no rsID available, gnomAD 0.003%). This variant has not been reported in the literature in individuals affected with PDX1-related conditions. ClinVar contains an entry for this variant (Variation ID: 1755376). Invitae Evidence Modeling of protein sequence and biophysical properties (such as structural, functional, and spatial information, amino acid conservation, physicochemical variation, residue mobility, and thermodynamic stability) indicates that this missense variant is not expected to disrupt PDX1 protein function with a negative predictive value of 80%. In summary, the available evidence is currently insufficient to determine the role of this variant in disease. Therefore, it has been classified as a Variant of Uncertain Significance.

Ambry Genetics
Classification: Uncertain significance for Maturity-onset diabetes of the young. Last evaluated: 2021-12-27. Review status: criteria provided, single submitter. Criteria: Ambry Variant Classification Scheme 2023. Collection method: clinical testing. Allele origin: germline.
Comment: The p.D226A variant (also known as c.677A>C), located in coding exon 2 of the PDX1 gene, results from an A to C substitution at nucleotide position 677. The aspartic acid at codon 226 is replaced by alanine, an amino acid with dissimilar properties. This amino acid position is highly conserved in available vertebrate species. In addition, the in silico prediction for this alteration is inconclusive. Since supporting evidence is limited at this time, the clinical significance of this alteration remains unclear.

NM_000209.4(PDX1):c.677A>C (p.Asp226Ala)

Gene: PDX1 (pancreatic and duodenal homeobox 1; plus strand). Cytogenetic location: 13q12.2.
Variant type: single nucleotide variant.
Coding change: c.677A>C on transcript NM_000209.4 (MANE Select); coding-DNA position 677, A replaced by C.
Protein change: p.Asp226Ala; replaces aspartic acid 226 with alanine.
Molecular consequence: missense variant.
Genome position (GRCh38, 1-based): chr13:27,924,526, A>C. VCF-style: chr13-27924526-A-C. GRCh37 (hg19) VCF-style: chr13-28498663-A-C.
Other names: short protein forms D226A.
Identifiers: ClinVar variation 1755376 (VCV001755376.4), dbSNP rs1175289727, ClinGen allele CA387646360.
Genomic context (GRCh38, chr13:27,924,526, plus strand): 5'-ACAAGAAGCGCGGCGGCGGGACAGCTGTCGGGGGTGGCGGGGTCGCGGAGCCTGAGCAGG[A>C]CTGCGCCGTGACCTCCGGCGAGGAGCTTCTGGCGCTGCCGCCGCCGCCGCCCCCCGGAGG-3'
Protein context (NP_000200.1, residues 216-236): GGGGVAEPEQ[Asp226Ala]CAVTSGEELL